The following is an entry in ClinVar:

NM_030662.4(MAP2K2):c.401A>T (p.Tyr134Phe)

Gene: MAP2K2 (mitogen-activated protein kinase kinase 2; minus strand). Cytogenetic location: 19p13.3.
Variant type: single nucleotide variant.
Coding change: c.401A>T on transcript NM_030662.4 (MANE Select); coding-DNA position 401, A replaced by T.
Protein change: p.Tyr134Phe; replaces tyrosine 134 with phenylalanine.
Molecular consequence: missense variant.
Genome position (GRCh38, 1-based): chr19:4,110,558, T>A on the plus strand (A>T on the coding strand, the complement: MAP2K2 is on the minus strand). VCF-style: chr19-4110558-T-A. GRCh37 (hg19) VCF-style: chr19-4110556-T-A.
Other names: c.401A>T, p.Tyr134Phe (NM_001440688.1); short protein forms Y134F.
Identifiers: ClinVar variation 4802527 (VCV004802527.1).

ClinVar aggregate classification (germline): Uncertain significance (1 of 4 stars; one submission).

Conditions:
RASopathy. Also called: rasopathies; Noonan spectrum disorder. Identifiers: Orphanet 536391, MedGen C5555857, MONDO:0021060.

Submission:

Labcorp Genetics (formerly Invitae), Labcorp
Classification: Uncertain significance for RASopathy. Last evaluated: 2025-03-25. Review status: criteria provided, single submitter. Criteria: Invitae Variant Classification Sherloc (09022015). Collection method: clinical testing. Allele origin: germline.
Comment: This sequence change replaces tyrosine, which is neutral and polar, with phenylalanine, which is neutral and non-polar, at codon 134 of the MAP2K2 protein (p.Tyr134Phe). This variant is not present in population databases (gnomAD no frequency). This variant has not been reported in the literature in individuals affected with MAP2K2-related conditions. Invitae Evidence Modeling of protein sequence and biophysical properties (such as structural, functional, and spatial information, amino acid conservation, physicochemical variation, residue mobility, and thermodynamic stability) has been performed for this missense variant. However, the output from this modeling did not meet the statistical confidence thresholds required to predict the impact of this variant on MAP2K2 protein function. This variant disrupts the p.Tyr134 amino acid residue in MAP2K2. Other variant(s) that disrupt this residue have been determined to be pathogenic (PMID: 18042262, 18456719). This suggests that this residue is clinically significant, and that variants that disrupt this residue are likely to be disease-causing. In summary, the available evidence is currently insufficient to determine the role of this variant in disease. Therefore, it has been classified as a Variant of Uncertain Significance.

Literature cited by the submitters: PubMed 18042262; PubMed 18456719.